The following is an entry in ClinVar:

ClinVar aggregate classification (germline): Conflicting classifications of pathogenicity. Review status: criteria provided, conflicting classifications (1 of 4 stars). 2 submissions from 2 submitters: Uncertain significance (1); Likely benign (1). Last evaluated 2026-02-01.

Conditions:
Encephalopathy, acute, infection-induced (herpes-specific), susceptibility to, 1. Also called: Herpes simplex encephalitis, susceptibility to, 1. Identifiers: Orphanet 1930, MedGen C2750180, MONDO:0024563, OMIM 610551.

Allele frequency attached by ClinVar (database versions not stated): TOPMed 0.00006; gnomAD 0.00007 and 0.00006; ESP Exome Variant Server 0.00015; 1000 Genomes Project 30x 0.00016; ExAC 0.00008; gnomAD exomes 0.00008.

Submissions (2):

Labcorp Genetics (formerly Invitae), Labcorp
Classification: Uncertain significance for Encephalopathy, acute, infection-induced (herpes-specific), susceptibility to, 1. Last evaluated: 2026-02-01. Review status: criteria provided, single submitter. Criteria: Invitae Variant Classification Sherloc (09022015). Collection method: clinical testing. Allele origin: germline.
Comment: This sequence change replaces arginine, which is basic and polar, with glutamine, which is neutral and polar, at codon 394 of the TLR3 protein (p.Arg394Gln). This variant is present in population databases (rs141634515, gnomAD 0.05%). This variant has not been reported in the literature in individuals affected with TLR3-related conditions. ClinVar contains an entry for this variant (Variation ID: 1036149). An algorithm developed to predict the effect of missense changes on protein structure and function outputs the following: PolyPhen-2: "Benign". The glutamine amino acid residue is found in multiple mammalian species, which suggests that this missense change does not adversely affect protein function. In summary, the available evidence is currently insufficient to determine the role of this variant in disease. Therefore, it has been classified as a Variant of Uncertain Significance.

Blueprint Genetics
Classification: Likely benign. Last evaluated: 2024-09-16. Review status: criteria provided, single submitter. Criteria: ACMG Guidelines, 2015. Collection method: clinical testing. Allele origin: germline.

NM_003265.3(TLR3):c.1181G>A (p.Arg394Gln)

Gene: TLR3 (toll like receptor 3; plus strand). Cytogenetic location: 4q35.1.
Variant type: single nucleotide variant.
Coding change: c.1181G>A on transcript NM_003265.3 (MANE Select); coding-DNA position 1181, G replaced by A.
Protein change: p.Arg394Gln; replaces arginine 394 with glutamine.
Molecular consequence: missense variant.
Genome position (GRCh38, 1-based): chr4:186,082,867, G>A. VCF-style: chr4-186082867-G-A. GRCh37 (hg19) VCF-style: chr4-187004021-G-A.
Other names: short protein forms R394Q.
Identifiers: ClinVar variation 1036149 (VCV001036149.10), dbSNP rs141634515, ClinGen allele CA3161373.